The following is an entry in ClinVar:

NM_001999.4(FBN2):c.4831G>A (p.Gly1611Arg)

Gene: FBN2 (fibrillin 2; minus strand). Cytogenetic location: 5q23.3.
Variant type: single nucleotide variant.
Coding change: c.4831G>A on transcript NM_001999.4 (MANE Select); coding-DNA position 4831, G replaced by A.
Protein change: p.Gly1611Arg; replaces glycine 1611 with arginine.
Molecular consequence: missense variant.
Genome position (GRCh38, 1-based): chr5:128,312,682, C>T on the plus strand (G>A on the coding strand, the complement: FBN2 is on the minus strand). VCF-style: chr5-128312682-C-T. GRCh37 (hg19) VCF-style: chr5-127648374-C-T.
Other names: short protein forms G1611R.
Identifiers: ClinVar variation 1303238 (VCV001303238.2), dbSNP rs2126847628, ClinGen allele CA360746581.

ClinVar aggregate classification (germline): Uncertain significance (1 of 4 stars; one submission).

Submission:

GeneDx
Classification: Uncertain significance. Last evaluated: 2020-08-26. Review status: criteria provided, single submitter. Criteria: GeneDx Variant Classification Process June 2021. Collection method: clinical testing. Allele origin: germline. Affected: yes.
Comment: Not observed in large population cohorts (Lek et al., 2016); In silico analysis supports that this missense variant has a deleterious effect on protein structure/function; Has not been previously published as pathogenic or benign to our knowledge